The following is an entry in ClinVar:

NM_001378024.1(ARHGAP32):c.6300A>G (p.Ala2100=)

Gene: ARHGAP32 (Rho GTPase activating protein 32; minus strand). Cytogenetic location: 11q24.3.
Variant type: single nucleotide variant.
Coding change: c.6300A>G on transcript NM_001378024.1 (MANE Select); coding-DNA position 6300, A replaced by G.
Protein change: p.Ala2100=; no amino-acid change (alanine 2100 retained).
Molecular consequence: synonymous variant.
Genome position (GRCh38, 1-based): chr11:128,968,913, T>C on the plus strand (A>G on the coding strand, the complement: ARHGAP32 is on the minus strand). VCF-style: chr11-128968913-T-C. GRCh37 (hg19) VCF-style: chr11-128838808-T-C.
Other names: c.6258A>G (NM_001142685.1); c.6258A>G, p.Ala2086= (NM_001142685.2); c.6138A>G, p.Ala2046= (NM_001378025.1); c.5211A>G, p.Ala1737= (NM_014715.4).
Identifiers: ClinVar variation 2642540 (VCV002642540.25), dbSNP rs147546090, ClinGen allele CA6358214.

ClinVar aggregate classification (germline): Likely benign. Review status: criteria provided, single submitter (1 of 4 stars). 2 submissions from 2 submitters: Likely benign (1). 1 of the submissions does not count toward it. Last evaluated 2022-10-01.

Conditions:
ARHGAP32-related disorder. Also called: ARHGAP32-related condition.

Allele frequency attached by ClinVar (database versions not stated): ESP Exome Variant Server 0.00008; 1000 Genomes Project 30x 0.00016; 1000 Genomes Project 0.00020.
gnomAD v4.1: 216 of 1,514,022 alleles (0.014%); highest among the groups gnomAD compares: Middle Eastern, 0.59%; 3 homozygotes.

Submissions (2):

CeGaT Center for Human Genetics Tuebingen
Classification: Likely benign. Last evaluated: 2022-10-01. Review status: criteria provided, single submitter. Criteria: CeGaT Center For Human Genetics Tuebingen Variant Classification Criteria Version 2. Collection method: clinical testing. Allele origin: germline. Affected: yes. Observed: 1 variant allele.
Comment: ARHGAP32: BP4, BP7

PreventionGenetics, part of Exact Sciences
Classification: Likely benign for ARHGAP32-related condition. Last evaluated: 2019-03-25. Review status: no assertion criteria provided. Collection method: clinical testing. Allele origin: germline. Not counted in ClinVar's aggregate classification.
Comment: This variant is classified as likely benign based on ACMG/AMP sequence variant interpretation guidelines (Richards et al. 2015 PMID: 25741868, with internal and published modifications).